The following is an entry in ClinVar:

ClinVar aggregate classification (germline): Likely benign. Review status: criteria provided, multiple submitters, no conflicts (2 of 4 stars). 4 submissions from 4 submitters: Likely benign (4). Last evaluated 2025-03-11.

Conditions:
Wolfram syndrome 1 (WFS1). Identifiers: Orphanet 3463, MedGen C4551693, MONDO:0009101, OMIM 222300.
Wolfram-like syndrome. Also called: HEARING LOSS, PROGRESSIVE, WITH OPTIC ATROPHY AND/OR IMPAIRED GLUCOSE REGULATION. Identifiers: Orphanet 411590, MedGen C3280358, MONDO:0013673, OMIM 614296.
Autosomal dominant nonsyndromic hearing loss 6 (LFSNHL). Also called: DEAFNESS, AUTOSOMAL DOMINANT 6; DEAFNESS, AUTOSOMAL DOMINANT 14; DEAFNESS, AUTOSOMAL DOMINANT 38; Autosomal dominant nonsyndromic deafness 6. Identifiers: Orphanet 90635, MedGen C1833021, MONDO:0010963, OMIM 600965.
Type 2 diabetes mellitus. Also called: Type II diabetes mellitus. Identifiers: MedGen C0011860, MeSH D003924, MONDO:0005148, OMIM 125853, HP:0005978.
Cataract 41 (CTRCT41). Also called: CATARACT 41, CONGENITAL NUCLEAR TYPE. Identifiers: Orphanet 91492, Orphanet 98991, Orphanet 98992, Orphanet 98995, MedGen C3805412, MONDO:0007287, OMIM 116400.

Allele frequency attached by ClinVar (database versions not stated): gnomAD exomes below 0.00001.
gnomAD v4.1: 7 of 1,611,372 alleles (0.00043%); highest among the groups gnomAD compares: Non-Finnish European, 0.00051%; no homozygotes.

Submissions (4):

Mayo Clinic Laboratories, Mayo Clinic
Classification: Likely benign. Last evaluated: 2025-03-11. Review status: criteria provided, single submitter. Criteria: ACMG Guidelines, 2015. Collection method: clinical testing. Allele origin: germline. Observed: 1 variant allele.
Comment: BP4, BP7

Blueprint Genetics
Classification: Likely benign. Last evaluated: 2024-02-22. Review status: criteria provided, single submitter. Criteria: ACMG Guidelines, 2015. Collection method: clinical testing. Allele origin: germline.

Labcorp Genetics (formerly Invitae), Labcorp
Classification: Likely benign. Last evaluated: 2021-08-16. Review status: criteria provided, single submitter. Criteria: Invitae Variant Classification Sherloc (09022015). Collection method: clinical testing. Allele origin: germline.

Fulgent Genetics
Classification: Likely benign for Cataract 41; Type 2 diabetes mellitus; Wolfram syndrome 1; Autosomal dominant nonsyndromic hearing loss 6; Wolfram-like syndrome. Last evaluated: 2021-08-10. Review status: criteria provided, single submitter. Criteria: ACMG Guidelines, 2015. Collection method: clinical testing. Allele origin: unknown.

NM_006005.3(WFS1):c.1476T>C (p.Pro492=)

Gene: WFS1 (wolframin ER transmembrane glycoprotein; plus strand). Cytogenetic location: 4p16.1.
Variant type: single nucleotide variant.
Coding change: c.1476T>C on transcript NM_006005.3 (MANE Select); coding-DNA position 1476, T replaced by C.
Protein change: p.Pro492=; no amino-acid change (proline 492 retained).
Molecular consequence: synonymous variant.
Genome position (GRCh38, 1-based): chr4:6,301,271, T>C. VCF-style: chr4-6301271-T-C. GRCh37 (hg19) VCF-style: chr4-6302998-T-C.
Other names: p.Pro492=; c.1476T>C, p.Pro492= (NM_001145853.1).
Identifiers: ClinVar variation 1577010 (VCV001577010.11), dbSNP rs1730893286, ClinGen allele CA438369000.
Genomic context (GRCh38, chr4:6,301,271, plus strand): 5'-CTCCATGCCCTTGAATTGGCCCTACCTGAAGGTCCTTGGCCAGACCTTCATCACCGTGCC[T>C]GTCGGCCACCTGGTCGTCCTCAACGTCAGCGTCCCGTGCCTGCTCTATGTCTACCTGCTC-3'
Protein context (NP_005996.2, residues 482-502): KVLGQTFITV[Pro492=]VGHLVVLNVS